The following is an entry in ClinVar:

ClinVar aggregate classification (germline): Conflicting classifications of pathogenicity. Review status: criteria provided, conflicting classifications (1 of 4 stars). 4 submissions from 4 submitters: Uncertain significance (2); Likely benign (2). Last evaluated 2026-08-01.

Conditions:
Developmental and epileptic encephalopathy, 14 (DEE14). Also called: Early infantile epileptic encephalopathy 14. Identifiers: Orphanet 293181, MedGen C3554195, MONDO:0013989, OMIM 614959.
Autosomal dominant nocturnal frontal lobe epilepsy 5. Also called: Epilepsy, nocturnal frontal lobe, 5; CILIARY DYSKINESIA, PRIMARY, 28, WITHOUT SITUS INVERSUS; CILIARY DYSKINESIA, PRIMARY, 28, WITH SITUS INVERSUS; KCNT1-Related Epilepsy. Identifiers: Orphanet 98784, MedGen C3554306, MONDO:0014002, OMIM 615005.

Allele frequency attached by ClinVar (database versions not stated): gnomAD exomes 0.00002 and 0.00005; ExAC 0.00003; gnomAD 0.00003 and 0.00004; TOPMed 0.00006.
gnomAD v4.1: 50 of 1,613,326 alleles (0.0031%); highest among the groups gnomAD compares: Middle Eastern, 0.033%; no homozygotes.

Submissions (4):

CeGaT Center for Human Genetics Tuebingen
Classification: Uncertain significance. Last evaluated: 2026-08-01. Review status: criteria provided, single submitter. Criteria: CeGaT Center For Human Genetics Tuebingen Variant Classification Criteria Version 2. Collection method: clinical testing. Allele origin: germline. Affected: yes. Observed: 3 variant alleles.

Labcorp Genetics (formerly Invitae), Labcorp
Classification: Likely benign for Autosomal dominant nocturnal frontal lobe epilepsy 5; Developmental and epileptic encephalopathy, 14. Last evaluated: 2025-06-12. Review status: criteria provided, single submitter. Criteria: Invitae Variant Classification Sherloc (09022015). Collection method: clinical testing. Allele origin: germline.

New York Genome Center
Classification: Uncertain significance for Developmental and epileptic encephalopathy, 14. Last evaluated: 2020-06-11. Review status: criteria provided, single submitter. Criteria: NYGC Assertion Criteria 2020. Collection method: clinical testing. Allele origin: germline. Observed: 1 heterozygote. Study: CSER-NYCKidSeq.

GeneDx
Classification: Likely benign. Last evaluated: 2018-03-29. Review status: criteria provided, single submitter. Criteria: GeneDx Variant Classification (06012015). Collection method: clinical testing. Allele origin: germline. Affected: yes.
Comment: This variant is considered likely benign or benign based on one or more of the following criteria: it is a conservative change, it occurs at a poorly conserved position in the protein, it is predicted to be benign by multiple in silico algorithms, and/or has population frequency not consistent with disease.

NM_020822.3(KCNT1):c.1156C>T (p.Leu386Phe)

Gene: KCNT1 (potassium sodium-activated channel subfamily T member 1; plus strand). Cytogenetic location: 9q34.3.
Variant type: single nucleotide variant.
Coding change: c.1156C>T on transcript NM_020822.3 (MANE Select); coding-DNA position 1156, C replaced by T.
Protein change: p.Leu386Phe; replaces leucine 386 with phenylalanine.
Molecular consequence: missense variant.
Genome position (GRCh38, 1-based): chr9:135,765,151, C>T. VCF-style: chr9-135765151-C-T. GRCh37 (hg19) VCF-style: chr9-138656997-C-T.
Other names: c.1021C>T, p.Leu341Phe (NM_001272003.2); short protein forms L386F, L341F.
Identifiers: ClinVar variation 374645 (VCV000374645.53), dbSNP rs780875110, ClinGen allele CA5326786.
Genomic context (GRCh38, chr9:135,765,151, plus strand): 5'-CACCGTGCGCAGACGGAGAAGCACGTGGTCCTGTGTGTCAGCTCCCTCAAGATCGACCTT[C>T]TCATGGACTTCCTGAACGAGTTCTACGCCCACCCCCGGCTCCAGGTGAGGCCCCTTACCG-3'
Protein context (NP_065873.2, residues 376-396): LCVSSLKIDL[Leu386Phe]MDFLNEFYAH